The following is an entry in ClinVar:

NM_198525.3(KIF7):c.2394+9C>T

Gene: KIF7 (kinesin family member 7; minus strand). Cytogenetic location: 15q26.1.
Variant type: single nucleotide variant.
Coding change: c.2394+9C>T on transcript NM_198525.3 (MANE Select); 9 bases into the intron after coding-DNA position 2394, C replaced by T.
Molecular consequence: intron variant.
Genome position (GRCh38, 1-based): chr15:89,642,194, G>A on the plus strand (C>T on the coding strand, the complement: KIF7 is on the minus strand). VCF-style: chr15-89642194-G-A. GRCh37 (hg19) VCF-style: chr15-90185425-G-A.
Other names: c.2394+9C>T (NM_198525.2).
Identifiers: ClinVar variation 2021988 (VCV002021988.7), dbSNP rs376295308, ClinGen allele CA7728204.
Genomic context (GRCh38, chr15:89,642,194, plus strand): 5'-GGTCCCAAGGATGGCAGCCTAGGAGGCAGGAGTCACCCCAGCACCCCACCCTGAGGCCCC[G>A]AGACTAACCTGCACCTGGCTCTGGGCCGCAGCGACCCTCCTGCGGAACTCCTGGAGCCGA-3'

ClinVar aggregate classification (germline): Likely benign. Review status: criteria provided, multiple submitters, no conflicts (2 of 4 stars). 3 submissions from 3 submitters: Likely benign (2). 1 of the submissions does not count toward it. Last evaluated 2025-11-17.

Conditions:
Acrocallosal syndrome (ACLS). Also called: HALLUX DUPLICATION, POSTAXIAL POLYDACTYLY, AND ABSENCE OF CORPUS CALLOSUM; Schinzel syndrome 1; Absence of corpus callosum with unusual facial appearance, mental deficiency, duplication of the halluces and polydactyly. Identifiers: Orphanet 36, MedGen C0796147, MONDO:0008708, OMIM 200990.
KIF7-related disorder. Also called: KIF7-related condition.

Allele frequency attached by ClinVar (database versions not stated): TOPMed 0.00006; ESP Exome Variant Server 0.00008; gnomAD 0.00008; ExAC 0.00012; gnomAD exomes 0.00015.
gnomAD v4.1: 219 of 1,608,986 alleles (0.014%); highest among the groups gnomAD compares: South Asian, 0.033%; no homozygotes.

Submissions (3):

Labcorp Genetics (formerly Invitae), Labcorp
Classification: Likely benign for Acrocallosal syndrome. Last evaluated: 2025-11-17. Review status: criteria provided, single submitter. Criteria: Invitae Variant Classification Sherloc (09022015). Collection method: clinical testing. Allele origin: germline.

Blueprint Genetics
Classification: Likely benign. Last evaluated: 2024-04-10. Review status: criteria provided, single submitter. Criteria: ACMG Guidelines, 2015. Collection method: clinical testing. Allele origin: germline.

PreventionGenetics, part of Exact Sciences
Classification: Likely benign for KIF7-related condition. Last evaluated: 2019-08-26. Review status: no assertion criteria provided. Collection method: clinical testing. Allele origin: germline. Not counted in ClinVar's aggregate classification.
Comment: This variant is classified as likely benign based on ACMG/AMP sequence variant interpretation guidelines (Richards et al. 2015 PMID: 25741868, with internal and published modifications).